The following is an entry in ClinVar:

NM_015046.7(SETX):c.5591A>C (p.Gln1864Pro)

Gene: SETX (senataxin; minus strand). Cytogenetic location: 9q34.13.
Variant type: single nucleotide variant.
Coding change: c.5591A>C on transcript NM_015046.7 (MANE Select); coding-DNA position 5591, A replaced by C.
Protein change: p.Gln1864Pro; replaces glutamine 1864 with proline.
Molecular consequence: missense variant.
Genome position (GRCh38, 1-based): chr9:132,298,270, T>G on the plus strand (A>C on the coding strand, the complement: SETX is on the minus strand). VCF-style: chr9-132298270-T-G. GRCh37 (hg19) VCF-style: chr9-135173657-T-G.
Other names: c.5591A>C, p.Gln1864Pro (NM_001351527.2, NM_001351528.2); short protein forms Q1864P.
Identifiers: ClinVar variation 586551 (VCV000586551.14), dbSNP rs375747001, ClinGen allele CA5296939.

ClinVar aggregate classification (germline): Conflicting classifications of pathogenicity. Review status: criteria provided, conflicting classifications (1 of 4 stars). 5 submissions from 5 submitters: Likely pathogenic (1); Uncertain significance (3); Benign (1). Last evaluated 2025-12-18.

Conditions:
Spinocerebellar ataxia, autosomal recessive, with axonal neuropathy 2 (SCAN2). Also called: Ataxia with Oculomotor Apraxia; ATAXIA-OCULOMOTOR APRAXIA 2; Ataxia with Oculomotor Apraxia Type 2; Ataxia-ocular apraxia-2. Identifiers: Orphanet 64753, MedGen C1853761, MONDO:0018996, OMIM 606002.
Amyotrophic lateral sclerosis type 4 (ALS4). Also called: AMYOTROPHIC LATERAL SCLEROSIS 4, JUVENILE; NEURONOPATHY, DISTAL HEREDITARY MOTOR, WITH PYRAMIDAL FEATURES. Identifiers: Orphanet 357043, MedGen C1865409, MONDO:0011223, OMIM 602433.
SETX-related disorder. Also called: SETX-related disorders; SETX-related condition. Identifiers: MedGen CN239403.

Allele frequency attached by ClinVar (database versions not stated): ExAC 0.00003; gnomAD 0.00003 and 0.00004; gnomAD exomes 0.00004; TOPMed 0.00004; ESP Exome Variant Server 0.00015.
gnomAD v4.1: 133 of 1,613,986 alleles (0.0082%); highest among the groups gnomAD compares: Non-Finnish European, 0.011%; no homozygotes.

Submissions (5):

PreventionGenetics, part of Exact Sciences
Classification: Uncertain significance for SETX-related condition. Last evaluated: 2025-12-18. Review status: criteria provided, single submitter. Criteria: ACMG Guidelines, 2015. Collection method: clinical testing. Allele origin: germline.
Comment: The SETX c.5591A>C variant is predicted to result in the amino acid substitution p.Gln1864Pro. This variant was reported in the heterozygous state in an individual with late onset hereditary ataxia (Galatolo et al. 2021. PubMed ID: 34445196). This variant is reported in 0.0093% of alleles in individuals of European (non-Finnish) descent in gnomAD. At this time, the clinical significance of this variant is uncertain due to the absence of conclusive functional and genetic evidence.

Labcorp Genetics (formerly Invitae), Labcorp
Classification: Benign for Amyotrophic lateral sclerosis type 4; Spinocerebellar ataxia, autosomal recessive, with axonal neuropathy 2. Last evaluated: 2025-05-19. Review status: criteria provided, single submitter. Criteria: Invitae Variant Classification Sherloc (09022015). Collection method: clinical testing. Allele origin: germline.

Molecular Medicine for Neurodegenerative and Neuromuscular Diseases Unit, IRCCS Fondazione Stella Maris
Classification: Likely pathogenic for Amyotrophic lateral sclerosis type 4. Last evaluated: 2021-01-04. Review status: criteria provided, single submitter. Criteria: ACMG Guidelines, 2015. Collection method: research. Allele origin: unknown. Affected: yes.

Mayo Clinic Laboratories, Mayo Clinic
Classification: Uncertain significance. Last evaluated: 2020-01-13. Review status: criteria provided, single submitter. Criteria: ACMG Guidelines, 2015. Collection method: clinical testing. Allele origin: germline. Observed: 1 variant allele.

Athena Diagnostics
Classification: Uncertain significance. Last evaluated: 2018-06-30. Review status: criteria provided, single submitter. Criteria: Athena Diagnostics Criteria. Collection method: clinical testing. Allele origin: germline.